The following is an entry in ClinVar:

NM_007294.4(BRCA1):c.3645C>G (p.Asn1215Lys)

Genes: BRCA1 (BRCA1 DNA repair associated; minus strand), LOC126862571 (BRD4-independent group 4 enhancer GRCh37_chr17:41243136-41244335; plus strand). Cytogenetic location: 17q21.31.
Variant type: single nucleotide variant.
Coding change: c.3645C>G on transcript NM_007294.4 (MANE Select); coding-DNA position 3645, C replaced by G.
Protein change: p.Asn1215Lys; replaces asparagine 1215 with lysine.
Molecular consequence: missense variant. On other transcripts: intron variant (135).
Genome position (GRCh38, 1-based): chr17:43,091,886, G>C on the plus strand (C>G on the coding strand, the complement: BRCA1 is on the minus strand). VCF-style: chr17-43091886-G-C. GRCh37 (hg19) VCF-style: chr17-41243903-G-C.
Other names: c.3432C>G, p.Asn1144Lys (NM_001407571.1, NM_001407853.1, NM_001407894.1 and 9 more transcripts); c.3645C>G, p.Asn1215Lys (NM_001407581.1, NM_001407582.1, NM_001407583.1 and 30 more transcripts); c.3642C>G, p.Asn1214Lys (NM_001407587.1, NM_001407590.1, NM_001407591.1 and 22 more transcripts); c.3636C>G, p.Asn1212Lys (NM_001407646.1, NM_001407647.1); c.3522C>G, p.Asn1174Lys (NM_001407648.1, NM_001407664.1, NM_001407665.1 and 19 more transcripts); c.3519C>G, p.Asn1173Lys (NM_001407649.1, NM_001407670.1, NM_001407671.1 and 11 more transcripts); c.3567C>G, p.Asn1189Lys (NM_001407653.1, NM_001407654.1, NM_001407655.1 and 4 more transcripts); c.3564C>G, p.Asn1188Lys (NM_001407659.1, NM_001407660.1, NM_001407661.1 and 1 more transcripts); and 41 more; short protein forms N1168K, N1215K, N1103K, N1127K, N1147K, N1126K, N1144K, N1167K.
Identifiers: ClinVar variation 1026607 (VCV001026607.13), dbSNP rs758329415, ClinGen allele CA059323.

ClinVar aggregate classification (germline): Conflicting classifications of pathogenicity. Review status: criteria provided, conflicting classifications (1 of 4 stars). 3 submissions from 3 submitters: Uncertain significance (2); Likely benign (1). Last evaluated 2024-11-15.

Conditions:
Hereditary cancer-predisposing syndrome. Also called: Neoplastic Syndromes, Hereditary; Tumor predisposition; Hereditary Cancer Syndrome; Hereditary neoplastic syndrome. Identifiers: Orphanet 140162, MedGen C0027672, MeSH D009386, MONDO:0015356.
Hereditary breast ovarian cancer syndrome. Also called: Hereditary breast and ovarian cancer; Hereditary breast and ovarian cancer syndrome (HBOC); Hereditary breast and ovarian cancer syndrome; BRCA1- and BRCA2-Associated Hereditary Breast and Ovarian Cancer; Hereditary breast and/or ovarian cancer syndrome; Breast and ovarian cancer. Identifiers: Orphanet 145, MedGen C0677776, MeSH D061325, MONDO:0003582. Disease mechanism: loss of function.

Allele frequency attached by ClinVar (database versions not stated): gnomAD exomes below 0.00001; ExAC 0.00001.
gnomAD v4.1: 1 of 1,614,094 alleles (0.000062%); highest among the groups gnomAD compares: Admixed American, 0.0017%; no homozygotes.

Submissions (3):

Ambry Genetics
Classification: Uncertain significance for Hereditary cancer-predisposing syndrome. Last evaluated: 2024-11-15. Review status: criteria provided, single submitter. Criteria: Ambry Variant Classification Scheme 2023. Collection method: clinical testing. Allele origin: germline.
Comment: The p.N1215K variant (also known as c.3645C>G), located in coding exon 9 of the BRCA1 gene, results from a C to G substitution at nucleotide position 3645. The asparagine at codon 1215 is replaced by lysine, an amino acid with similar properties. This amino acid position is not well conserved in available vertebrate species. In addition, this alteration is predicted to be tolerated by in silico analysis. Based on the available evidence, the clinical significance of this variant remains unclear.

Labcorp Genetics (formerly Invitae), Labcorp
Classification: Uncertain significance for Hereditary breast ovarian cancer syndrome. Last evaluated: 2024-08-06. Review status: criteria provided, single submitter. Criteria: Invitae Variant Classification Sherloc (09022015). Collection method: clinical testing. Allele origin: germline.
Comment: This sequence change replaces asparagine, which is neutral and polar, with lysine, which is basic and polar, at codon 1215 of the BRCA1 protein (p.Asn1215Lys). This variant is present in population databases (rs758329415, gnomAD 0.003%). This variant has not been reported in the literature in individuals affected with BRCA1-related conditions. ClinVar contains an entry for this variant (Variation ID: 1026607). Advanced modeling of protein sequence and biophysical properties (such as structural, functional, and spatial information, amino acid conservation, physicochemical variation, residue mobility, and thermodynamic stability) performed at Invitae indicates that this missense variant is not expected to disrupt BRCA1 protein function with a negative predictive value of 95%. In summary, the available evidence is currently insufficient to determine the role of this variant in disease. Therefore, it has been classified as a Variant of Uncertain Significance.

University of Washington Department of Laboratory Medicine, University of Washington
Classification: Likely benign for Hereditary cancer-predisposing syndrome. Last evaluated: 2023-03-23. Review status: criteria provided, single submitter. Criteria: Dines et al. (Genet Med. 2020). Collection method: curation. Allele origin: germline.
Comment: Missense variant in a coldspot region where missense variants are very unlikely to be pathogenic (PMID:31911673).

BRCA1 coldspot (exon 11 using historical exon numbering). Reclassification based on statistical prior probability